The following is an entry in ClinVar:

ClinVar aggregate classification (germline): Conflicting classifications of pathogenicity. Review status: criteria provided, conflicting classifications (1 of 4 stars). 5 submissions from 5 submitters: Uncertain significance (3); Likely benign (2). Last evaluated 2026-03-27.

Conditions:
Cardiovascular phenotype. Identifiers: MedGen CN230736.
TTN-related disorder. Also called: TTN-related disorders; TTN-related condition; TTN-related disease.

Allele frequency attached by ClinVar (database versions not stated): TOPMed 0.00002.
gnomAD v4.1: 43 of 1,609,850 alleles (0.0027%); highest among the groups gnomAD compares: African/African-American, 0.0067%; no homozygotes.

Submissions (5):

Molecular Diagnostic Laboratory for Inherited Cardiovascular Disease, Montreal Heart Institute
Classification: Likely benign. Last evaluated: 2026-03-27. Review status: criteria provided, single submitter. Criteria: ACMG Guidelines, 2015. Collection method: clinical testing. Allele origin: germline. Affected: no.
Comment: BP1

PreventionGenetics, part of Exact Sciences
Classification: Uncertain significance for TTN-related condition. Last evaluated: 2026-01-06. Review status: criteria provided, single submitter. Criteria: ACMG Guidelines, 2015. Collection method: clinical testing. Allele origin: germline.
Comment: The TTN c.65380G>A variant is predicted to result in the amino acid substitution p.Val21794Ile. To our knowledge, this variant has not been reported in the literature. This variant is reported in 0.0084% of alleles in individuals of African descent in gnomAD. At this time, the clinical significance of this variant is uncertain due to the absence of conclusive functional and genetic evidence.

Revvity Omics, Revvity
Classification: Uncertain significance. Last evaluated: 2022-08-29. Review status: criteria provided, single submitter. Criteria: ACMG Guidelines, 2015. Collection method: clinical testing. Allele origin: germline.

Ambry Genetics
Classification: Uncertain significance for Cardiovascular phenotype. Last evaluated: 2019-10-15. Review status: criteria provided, single submitter. Criteria: Ambry Variant Classification Scheme 2023. Collection method: clinical testing. Allele origin: germline.
Comment: The p.V12729I variant (also known as c.38185G>A), located in coding exon 139 of the TTN gene, results from a G to A substitution at nucleotide position 38185. The valine at codon 12729 is replaced by isoleucine, an amino acid with highly similar properties. This amino acid position is well conserved in available vertebrate species; however, isoleucine is the reference amino acid in other vertebrate species. In addition, this alteration is predicted to be tolerated by in silico analysis. Since supporting evidence is limited at this time, the clinical significance of this alteration remains unclear.

GeneDx
Classification: Likely benign. Last evaluated: 2018-05-15. Review status: criteria provided, single submitter. Criteria: GeneDx Variant Classification (06012015). Collection method: clinical testing. Allele origin: germline. Affected: yes.
Comment: This variant is considered likely benign or benign based on one or more of the following criteria: it is a conservative change, it occurs at a poorly conserved position in the protein, it is predicted to be benign by multiple in silico algorithms, and/or has population frequency not consistent with disease.

NM_001267550.2(TTN):c.65380G>A (p.Val21794Ile)

Genes: TTN (titin; minus strand), TTN-AS1 (TTN antisense RNA 1; plus strand). Cytogenetic location: 2q31.2.
Variant type: single nucleotide variant.
Coding change: c.65380G>A on transcript NM_001267550.2 (MANE Select); coding-DNA position 65380, G replaced by A.
Protein change: p.Val21794Ile; replaces valine 21794 with isoleucine.
Molecular consequence: missense variant. On other transcripts: non-coding transcript variant (1).
Genome position (GRCh38, 1-based): chr2:178,583,802, C>T on the plus strand (G>A on the coding strand, the complement: TTN is on the minus strand). VCF-style: chr2-178583802-C-T. GRCh37 (hg19) VCF-style: chr2-179448529-C-T.
Other names: c.60457G>A, p.Val20153Ile (NM_001256850.1); c.38185G>A, p.Val12729Ile (NM_003319.4); c.57676G>A, p.Val19226Ile (NM_133378.4); c.38560G>A, p.Val12854Ile (NM_133432.3); c.38761G>A, p.Val12921Ile (NM_133437.4); short protein forms V12729I, V12854I, V19226I, V20153I, V12921I, V21794I.
Identifiers: ClinVar variation 667712 (VCV000667712.8), dbSNP rs373848128, ClinGen allele CA1991716.